The following is an entry in ClinVar:

NM_003611.3(OFD1):c.1489C>T (p.His497Tyr)

Gene: OFD1 (OFD1 centriole and centriolar satellite protein; plus strand). Cytogenetic location: Xp22.2.
Variant type: single nucleotide variant.
Coding change: c.1489C>T on transcript NM_003611.3 (MANE Select); coding-DNA position 1489, C replaced by T.
Protein change: p.His497Tyr; replaces histidine 497 with tyrosine.
Molecular consequence: missense variant.
Genome position (GRCh38, 1-based): chrX:13,757,737, C>T. VCF-style: chrX-13757737-C-T. GRCh37 (hg19) VCF-style: chrX-13775856-C-T.
Other names: c.1369C>T, p.His457Tyr (NM_001330209.2, NM_001440948.1); c.1069C>T, p.His357Tyr (NM_001330210.2); c.1489C>T, p.His497Tyr (NM_001440947.1); short protein forms H357Y, H457Y, H497Y.
Identifiers: ClinVar variation 4085519 (VCV004085519.8).
Genomic context (GRCh38, chrX:13,757,737, plus strand): 5'-CCTGAACTTGCAGTCTTTCAGAAAGAACTACGGAAAGCCGAAAAGGCTATAGTGGTTGAG[C>T]ATGAGGAGTTCGAAAGCTGCAGGCAAGCTCTGCACAAACAACTGCAAGACGAAGTGAGTA-3'
Protein context (NP_003602.1, residues 487-507): RKAEKAIVVE[His497Tyr]EEFESCRQAL

ClinVar aggregate classification (germline): Uncertain significance (1 of 4 stars; one submission).

Submission:

CeGaT Center for Human Genetics Tuebingen
Classification: Uncertain significance. Last evaluated: 2025-07-01. Review status: criteria provided, single submitter. Criteria: CeGaT Center For Human Genetics Tuebingen Variant Classification Criteria Version 2. Collection method: clinical testing. Allele origin: germline. Affected: yes. Observed: 1 variant allele.
Comment: OFD1: PM2